The following is an entry in ClinVar:

NM_004055.5(CAPN5):c.1364G>T (p.Arg455Leu)

Gene: CAPN5 (calpain 5; plus strand). Cytogenetic location: 11q13.5.
Variant type: single nucleotide variant.
Coding change: c.1364G>T on transcript NM_004055.5 (MANE Select); coding-DNA position 1364, G replaced by T.
Protein change: p.Arg455Leu; replaces arginine 455 with leucine.
Molecular consequence: missense variant.
Genome position (GRCh38, 1-based): chr11:77,120,786, G>T. VCF-style: chr11-77120786-G-T. GRCh37 (hg19) VCF-style: chr11-76831832-G-T.
Other names: short protein forms R455L.
Identifiers: ClinVar variation 1464305 (VCV001464305.8), dbSNP rs915996598, ClinGen allele CA381943070.

ClinVar aggregate classification (germline): Uncertain significance (1 of 4 stars; one submission).

Allele frequency attached by ClinVar (database versions not stated): gnomAD exomes below 0.00001; gnomAD 0.00001.
gnomAD v4.1: 2 of 1,613,924 alleles (0.00012%); highest among the groups gnomAD compares: Admixed American, 0.0017%; no homozygotes.

Submission:

Labcorp Genetics (formerly Invitae), Labcorp
Classification: Uncertain significance. Last evaluated: 2021-05-10. Review status: criteria provided, single submitter. Criteria: Invitae Variant Classification Sherloc (09022015). Collection method: clinical testing. Allele origin: germline.
Comment: This sequence change replaces arginine with leucine at codon 455 of the CAPN5 protein (p.Arg455Leu). The arginine residue is highly conserved and there is a moderate physicochemical difference between arginine and leucine. This variant is not present in population databases (ExAC no frequency). This variant has not been reported in the literature in individuals with CAPN5-related conditions. Algorithms developed to predict the effect of missense changes on protein structure and function are either unavailable or do not agree on the potential impact of this missense change (SIFT: "Deleterious"; PolyPhen-2: "Probably Damaging"; Align-GVGD: "Class C0"). In summary, the available evidence is currently insufficient to determine the role of this variant in disease. Therefore, it has been classified as a Variant of Uncertain Significance.